The following is an entry in ClinVar:

NM_030665.4(RAI1):c.1128G>A (p.Pro376=)

Gene: RAI1 (retinoic acid induced 1; plus strand). Cytogenetic location: 17p11.2.
Variant type: single nucleotide variant.
Coding change: c.1128G>A on transcript NM_030665.4 (MANE Select); coding-DNA position 1128, G replaced by A.
Protein change: p.Pro376=; no amino-acid change (proline 376 retained).
Molecular consequence: synonymous variant.
Genome position (GRCh38, 1-based): chr17:17,794,076, G>A. VCF-style: chr17-17794076-G-A. GRCh37 (hg19) VCF-style: chr17-17697390-G-A.
Identifiers: ClinVar variation 1727447 (VCV001727447.7), dbSNP rs375391330, ClinGen allele CA8418274.

ClinVar aggregate classification (germline): Likely benign. Review status: criteria provided, multiple submitters, no conflicts (2 of 4 stars). 3 submissions from 3 submitters: Likely benign (2). 1 of the submissions does not count toward it. Last evaluated 2025-06-18.

Conditions:
RAI1-related disorder. Also called: RAI1-related condition.
Inborn genetic diseases. Identifiers: MedGen C0950123, MeSH D030342.

Allele frequency attached by ClinVar (database versions not stated): TOPMed 0.00003; gnomAD 0.00001; ExAC 0.00002; ESP Exome Variant Server 0.00008.
gnomAD v4.1: 23 of 1,613,868 alleles (0.0014%); highest among the groups gnomAD compares: East Asian, 0.0022%; no homozygotes.

Submissions (3):

Labcorp Genetics (formerly Invitae), Labcorp
Classification: Likely benign. Last evaluated: 2025-06-18. Review status: criteria provided, single submitter. Criteria: Invitae Variant Classification Sherloc (09022015). Collection method: clinical testing. Allele origin: germline.

Ambry Genetics
Classification: Likely benign for Inborn genetic diseases. Last evaluated: 2020-02-13. Review status: criteria provided, single submitter. Criteria: Ambry Variant Classification Scheme 2023. Collection method: clinical testing. Allele origin: germline.

PreventionGenetics, part of Exact Sciences
Classification: Likely benign for RAI1-related condition. Last evaluated: 2019-12-09. Review status: no assertion criteria provided. Collection method: clinical testing. Allele origin: germline. Not counted in ClinVar's aggregate classification.
Comment: This variant is classified as likely benign based on ACMG/AMP sequence variant interpretation guidelines (Richards et al. 2015 PMID: 25741868, with internal and published modifications).